The following is an entry in ClinVar:

ClinVar aggregate classification (germline): Likely benign (0 of 4 stars; one submission).

Conditions:
PLXNA4-related disorder. Also called: PLXNA4-related condition.

gnomAD v4.1: 5 of 1,614,232 alleles (0.00031%); highest among the groups gnomAD compares: Admixed American, 0.005%; no homozygotes.

Submission:

PreventionGenetics, part of Exact Sciences
Classification: Likely benign for PLXNA4-related condition. Last evaluated: 2023-10-25. Review status: no assertion criteria provided. Collection method: clinical testing. Allele origin: germline.
Comment: This variant is classified as likely benign based on ACMG/AMP sequence variant interpretation guidelines (Richards et al. 2015 PMID: 25741868, with internal and published modifications).

NM_020911.2(PLXNA4):c.3960C>T (p.Tyr1320=)

Gene: PLXNA4 (plexin A4; minus strand). Cytogenetic location: 7q32.3.
Variant type: single nucleotide variant.
Coding change: c.3960C>T on transcript NM_020911.2 (MANE Select); coding-DNA position 3960, C replaced by T.
Protein change: p.Tyr1320=; no amino-acid change (tyrosine 1320 retained).
Molecular consequence: synonymous variant.
Genome position (GRCh38, 1-based): chr7:132,174,835, G>A on the plus strand (C>T on the coding strand, the complement: PLXNA4 is on the minus strand). VCF-style: chr7-132174835-G-A. GRCh37 (hg19) VCF-style: chr7-131859594-G-A.
Other names: c.3960C>T, p.Tyr1320= (NM_001393897.1).
Identifiers: ClinVar variation 3353457 (VCV003353457.1).